The following is an entry in ClinVar:

NM_003919.3(SGCE):c.1067T>C (p.Ile356Thr)

Genes: CASD1 (CAS1 domain sialic acid O acetyltransferase 1; plus strand), SGCE (sarcoglycan epsilon; minus strand). Cytogenetic location: 7q21.3.
Variant type: single nucleotide variant.
Coding change: c.1067T>C on transcript NM_003919.3 (MANE Select); coding-DNA position 1067, T replaced by C.
Protein change: p.Ile356Thr; replaces isoleucine 356 with threonine.
Molecular consequence: missense variant.
Genome position (GRCh38, 1-based): chr7:94,598,961, A>G on the plus strand (T>C on the coding strand, the complement: SGCE is on the minus strand). VCF-style: chr7-94598961-A-G. GRCh37 (hg19) VCF-style: chr7-94228273-A-G.
Other names: c.1040T>C, p.Ile347Thr (NM_001099400.2, NM_001346717.2); c.1067T>C, p.Ile356Thr (NM_001099401.2); c.944T>C, p.Ile315Thr (NM_001301139.2); c.1175T>C, p.Ile392Thr (NM_001346713.2); c.1148T>C, p.Ile383Thr (NM_001346715.2); c.980T>C, p.Ile327Thr (NM_001346719.2); c.794T>C, p.Ile265Thr (NM_001346720.2); c.953T>C, p.Ile318Thr (NM_001362807.2); and 3 more; short protein forms I256T, I265T, I306T, I315T, I318T, I327T, I347T, I356T.
Identifiers: ClinVar variation 3389899 (VCV003389899.15).

ClinVar aggregate classification (germline): Uncertain significance. Review status: criteria provided, multiple submitters, no conflicts (2 of 4 stars). 2 submissions from 2 submitters: Uncertain significance (2). Last evaluated 2025-08-14.

Conditions:
Inborn genetic diseases. Identifiers: MedGen C0950123, MeSH D030342.

gnomAD v4.1: 1 of 1,612,520 alleles (0.000062%); highest among the groups gnomAD compares: Non-Finnish European, 0.000085%; no homozygotes.

Submissions (2):

Ambry Genetics
Classification: Uncertain significance for Inborn genetic diseases. Last evaluated: 2025-08-14. Review status: criteria provided, single submitter. Criteria: Ambry Variant Classification Scheme 2023. Collection method: clinical testing. Allele origin: germline.

CeGaT Center for Human Genetics Tuebingen
Classification: Uncertain significance. Last evaluated: 2024-10-01. Review status: criteria provided, single submitter. Criteria: CeGaT Center For Human Genetics Tuebingen Variant Classification Criteria Version 2. Collection method: clinical testing. Allele origin: germline. Affected: yes. Observed: 1 variant allele.
Comment: SGCE: PM2, PP3